The following is an entry in ClinVar:

NM_000054.7(AVPR2):c.401C>T (p.Thr134Met)

Gene: AVPR2 (arginine vasopressin receptor 2; plus strand). Cytogenetic location: Xq28.
Variant type: single nucleotide variant.
Coding change: c.401C>T on transcript NM_000054.7 (MANE Select); coding-DNA position 401, C replaced by T.
Protein change: p.Thr134Met; replaces threonine 134 with methionine.
Molecular consequence: missense variant.
Genome position (GRCh38, 1-based): chrX:153,905,907, C>T. VCF-style: chrX-153905907-C-T. GRCh37 (hg19) VCF-style: chrX-153171361-C-T.
Other names: c.401C>T, p.Thr134Met (NM_001146151.3); short protein forms T134M.
Identifiers: ClinVar variation 4280118 (VCV004280118.1).

ClinVar aggregate classification (germline): Uncertain significance (1 of 4 stars; one submission).

Conditions:
Diabetes insipidus, nephrogenic, X-linked. Also called: Nephrogenic Diabetes Insipidus, Type I. Identifiers: Orphanet 223, MedGen C1563705, MONDO:0010581, OMIM 304800.

gnomAD v4.1: 14 of 1,203,122 alleles (0.0012%); highest among the groups gnomAD compares: East Asian, 0.003%; no homozygotes.

Submission:

Johns Hopkins Genomics, Johns Hopkins University
Classification: Uncertain significance for Diabetes insipidus, nephrogenic, X-linked. Last evaluated: 2024-12-26. Review status: criteria provided, single submitter. Criteria: ACMG Guidelines, 2015. Collection method: clinical testing. Allele origin: germline.
Comment: This AVPR2 missense variant (rs782549298) is rare (>0.1%) in a large population dataset (gnomAD v4.1.0: 14/1203122 total alleles, 0.001%, 0 homozygotes, 3 hemizygotes). This variant is absent in ClinVar; however, other missense variants in this region of AVPR2 have been classified as pathogenic or likely pathogenic for nephrogenic diabetes insipidus. Two bioinformatic tools queried predict that this substitution would be damaging to the protein and the threonine residue at this position is evolutionary conserved in most species assessed. We consider the clinical significance of c.401C>T in AVPR2 to be uncertain at this time.

Literature cited by the submitters: PubMed 15872203; PubMed 16845277; PubMed 7913579.